The following is an entry in ClinVar:

NM_018139.3(DNAAF2):c.1880A>G (p.Asn627Ser)

Gene: DNAAF2 (dynein axonemal assembly factor 2; minus strand). Cytogenetic location: 14q21.3.
Variant type: single nucleotide variant.
Coding change: c.1880A>G on transcript NM_018139.3 (MANE Select); coding-DNA position 1880, A replaced by G.
Protein change: p.Asn627Ser; replaces asparagine 627 with serine.
Molecular consequence: missense variant. On other transcripts: intron variant (2).
Genome position (GRCh38, 1-based): chr14:49,628,139, T>C on the plus strand (A>G on the coding strand, the complement: DNAAF2 is on the minus strand). VCF-style: chr14-49628139-T-C. GRCh37 (hg19) VCF-style: chr14-50094857-T-C.
Other names: c.1864-2091A>G (NM_001083908.2); c.-204-2091A>G (NM_001378453.1); short protein forms N627S.
Identifiers: ClinVar variation 3227125 (VCV003227125.1), dbSNP rs1248099164, ClinGen allele CA389624976.

ClinVar aggregate classification (germline): Uncertain significance (1 of 4 stars; one submission).

Conditions:
Primary ciliary dyskinesia. Also called: Ciliary dyskinesia. Identifiers: Orphanet 244, MedGen C0008780, MONDO:0016575, HP:0012265.

Allele frequency attached by ClinVar (database versions not stated): gnomAD exomes below 0.00001; gnomAD 0.00001; TOPMed 0.00001.

Submission:

Ambry Genetics
Classification: Uncertain significance for Primary ciliary dyskinesia. Last evaluated: 2023-10-23. Review status: criteria provided, single submitter. Criteria: Ambry Variant Classification Scheme 2023. Collection method: clinical testing. Allele origin: germline.
Comment: The p.N627S variant (also known as c.1880A>G), located in coding exon 2 of the DNAAF2 gene, results from an A to G substitution at nucleotide position 1880. The asparagine at codon 627 is replaced by serine, an amino acid with highly similar properties. This amino acid position is conserved. In addition, this alteration is predicted to be tolerated by in silico analysis. Since supporting evidence is limited at this time, the clinical significance of this alteration remains unclear.